The following is an entry in ClinVar:

NM_030954.4(RNF170):c.291G>A (p.Pro97=)

Gene: RNF170 (ring finger protein 170; minus strand). Cytogenetic location: 8p11.21.
Variant type: single nucleotide variant.
Coding change: c.291G>A on transcript NM_030954.4 (MANE Select); coding-DNA position 291, G replaced by A.
Protein change: p.Pro97=; no amino-acid change (proline 97 retained).
Molecular consequence: synonymous variant. On other transcripts: non-coding transcript variant (2).
Genome position (GRCh38, 1-based): chr8:42,870,035, C>T on the plus strand (G>A on the coding strand, the complement: RNF170 is on the minus strand). VCF-style: chr8-42870035-C-T. GRCh37 (hg19) VCF-style: chr8-42725178-C-T.
Other names: p.Pro97=; c.291G>A, p.Pro97= (NM_001160223.2, NM_001160224.2); c.39G>A, p.Pro13= (NM_001160225.2).
Identifiers: ClinVar variation 768237 (VCV000768237.7), dbSNP rs11989986, ClinGen allele CA4734917.

ClinVar aggregate classification (germline): Benign. Review status: criteria provided, multiple submitters, no conflicts (2 of 4 stars). 4 submissions from 4 submitters: Benign (4). Last evaluated 2025-03-27.

Conditions:
RNF170-related disorder. Also called: RNF170-related condition.

Allele frequency attached by ClinVar (database versions not stated): ExAC 0.00582; gnomAD 0.01829 and 0.01957; TOPMed 0.01968; ESP Exome Variant Server 0.02099; 1000 Genomes Project 0.02157; 1000 Genomes Project 30x 0.02311.
gnomAD v4.1: 5,368 of 1,614,048 alleles (0.33%); highest among the groups gnomAD compares: African/African-American, 6.5%; 158 homozygotes.

Submissions (4):

PreventionGenetics, part of Exact Sciences
Classification: Benign for RNF170-related condition. Last evaluated: 2025-03-27. Review status: criteria provided, single submitter. Criteria: ACMG Guidelines, 2015. Collection method: clinical testing. Allele origin: germline.
Comment: This variant is classified as benign based on ACMG/AMP sequence variant interpretation guidelines (Richards et al. 2015 PMID: 25741868, with internal and published modifications).

Mayo Clinic Laboratories, Mayo Clinic
Classification: Benign. Last evaluated: 2022-03-24. Review status: criteria provided, single submitter. Criteria: ACMG Guidelines, 2015. Collection method: clinical testing. Allele origin: germline. Observed: 4 variant alleles.

Labcorp Genetics (formerly Invitae), Labcorp
Classification: Benign. Last evaluated: 2019-12-31. Review status: criteria provided, single submitter. Criteria: Invitae Variant Classification Sherloc (09022015). Collection method: clinical testing. Allele origin: germline.

Breakthrough Genomics
Classification: Benign. Review status: criteria provided, single submitter. Criteria: ACMG Guidelines, 2015. Collection method: not provided. Allele origin: germline. Inheritance: Autosomal recessive inheritance. Affected: yes.